The following is an entry in ClinVar:

NM_004006.3(DMD):c.8818C>T (p.Gln2940Ter)

Gene: DMD (dystrophin; minus strand). Cytogenetic location: Xp21.2.
Variant type: single nucleotide variant.
Coding change: c.8818C>T on transcript NM_004006.3 (MANE Select); coding-DNA position 8818, C replaced by T.
Protein change: p.Gln2940Ter; replaces glutamine 2940 with a stop codon.
Molecular consequence: nonsense.
Genome position (GRCh38, 1-based): chrX:31,478,225, G>A on the plus strand (C>T on the coding strand, the complement: DMD is on the minus strand). VCF-style: chrX-31478225-G-A. GRCh37 (hg19) VCF-style: chrX-31496342-G-A.
Other names: c.8794C>T, p.Gln2932Ter (NM_000109.4); c.8806C>T, p.Gln2936Ter (NM_004009.3); c.8449C>T, p.Gln2817Ter (NM_004010.3); c.4795C>T, p.Gln1599Ter (NM_004011.4); c.4786C>T, p.Gln1596Ter (NM_004012.4); c.1438C>T, p.Gln480Ter (NM_004013.3, NM_004020.4, NM_004021.3 and 2 more transcripts); c.631C>T, p.Gln211Ter (NM_004014.3); short protein forms Q1596*, Q1599*, Q211*, Q2817*, Q2932*, Q2936*, Q2940*, Q480*.
Identifiers: ClinVar variation 4813720 (VCV004813720.1).
Genomic context (GRCh38, chrX:31,478,225, plus strand): 5'-AGGATCCCTTGATCACCTCAGCTTGGCGCAGCTTGAGGTCCAGCTCATCCGTGGCCTCTT[G>A]AAGTTCCCGGAGTCTTTCAAGGGTCTCATCTATTTTTCTCTGCCAGTCAGCGGAGTGCAG-3'

ClinVar aggregate classification (germline): Likely pathogenic (1 of 4 stars; one submission).

Conditions:
X-linked DMD-related disorders.

Submission:

Variantyx, Inc.
Classification: Likely pathogenic for X-linked DMD-related disorders. Last evaluated: 2025-07-24. Review status: criteria provided, single submitter. Criteria: Variantyx Assertion Criteria 2022. Collection method: clinical testing. Allele origin: maternal. Inheritance: X-linked recessive inheritance. Affected: yes.
Comment: This is a nonsense variant in the DMD gene (OMIM: 300377). Pathogenic variants in this gene have been associated with X-linked DMD-related disorders. This variant introduces a premature termination codon in exon 59 out of 79 and is expected to result in loss of function, which is a known disease mechanism for DMD in this disorder (PMID: 12398835, 38428348, 16770791) (PVS1). This variant is absent from control populations (PM2) and has not been reported in individuals with DMD-related disorders in the databases available for review. Based on the current evidence, this variant is classified as likely pathogenic for X-linked DMD-related disorders.

Literature cited by the submitters: PubMed 12398835; PubMed 38428348; PubMed 16770791.